The following is an entry in ClinVar:

ClinVar aggregate classification (germline): Conflicting classifications of pathogenicity. Review status: criteria provided, conflicting classifications (1 of 4 stars). 6 submissions from 6 submitters: Uncertain significance (5); Likely benign (1). Last evaluated 2025-11-22.

Conditions:
Hereditary cancer-predisposing syndrome. Also called: Hereditary Cancer Syndrome; Neoplastic Syndromes, Hereditary; Hereditary neoplastic syndrome; Tumor predisposition. Identifiers: Orphanet 140162, MedGen C0027672, MeSH D009386, MONDO:0015356.
Hereditary breast ovarian cancer syndrome. Also called: BRCA1- and BRCA2-Associated Hereditary Breast and Ovarian Cancer; Hereditary breast and ovarian cancer syndrome; Hereditary breast and/or ovarian cancer syndrome; Breast and ovarian cancer; Hereditary breast and ovarian cancer; Hereditary breast and ovarian cancer syndrome (HBOC). Identifiers: Orphanet 145, MedGen C0677776, MeSH D061325, MONDO:0003582. Disease mechanism: loss of function.

Submissions (6):

Labcorp Genetics (formerly Invitae), Labcorp
Classification: Uncertain significance for Hereditary breast ovarian cancer syndrome. Last evaluated: 2025-11-22. Review status: criteria provided, single submitter. Criteria: Invitae Variant Classification Sherloc (09022015). Collection method: clinical testing. Allele origin: germline.
Comment: This sequence change replaces cysteine, which is neutral and slightly polar, with leucine, which is neutral and non-polar, at codon 1853 of the BRCA2 protein (p.Cys1853Leu). Information on the frequency of this variant in the gnomAD database is not available, as this variant may be reported differently in the database. This variant has not been reported in the literature in individuals affected with BRCA2-related conditions. ClinVar contains an entry for this variant (Variation ID: 142752). An algorithm developed to predict the effect of missense changes on protein structure and function outputs the following: PolyPhen-2: "Benign". The leucine amino acid residue is found in multiple mammalian species, which suggests that this missense change does not adversely affect protein function. In summary, the available evidence is currently insufficient to determine the role of this variant in disease. Therefore, it has been classified as a Variant of Uncertain Significance.

Ambry Genetics
Classification: Uncertain significance for Hereditary cancer-predisposing syndrome. Last evaluated: 2023-09-14. Review status: criteria provided, single submitter. Criteria: Ambry Variant Classification Scheme 2023. Collection method: clinical testing. Allele origin: germline.
Comment: The c.5557_5558delTGinsCT variant (also known as p.C1853L), located in coding exon 10 of the BRCA2 gene, results from an in-frame deletion of TG and insertion of CT at nucleotide positions 5557 to 5558. This results in the substitution of the cysteine residue for a leucine residue at codon 1853, an amino acid with highly dissimilar properties. This amino acid position is not well conserved in available vertebrate species. In addition, this alteration is predicted to be inconclusive by in silico analysis (Choi Y et al. PLoS ONE. 2012; 7(10):e46688). Since supporting evidence is limited at this time, the clinical significance of this alteration remains unclear.

University of Washington Department of Laboratory Medicine, University of Washington
Classification: Likely benign for Hereditary cancer-predisposing syndrome. Last evaluated: 2023-03-23. Review status: criteria provided, single submitter. Criteria: Dines et al. (Genet Med. 2020). Collection method: curation. Allele origin: germline.
Comment: Missense variant in a coldspot region where missense variants are very unlikely to be pathogenic (PMID:31911673).

BRCA2 exon 11 coldspot. Reclassification based on statistical prior probability.

Quest Diagnostics Nichols Institute San Juan Capistrano
Classification: Uncertain significance. Last evaluated: 2023-02-10. Review status: criteria provided, single submitter. Criteria: Quest Diagnostics criteria. Collection method: clinical testing. Allele origin: unknown.
Comment: It has not been reported in large, multi-ethnic general populations. In the published literature, the variant was only briefly reported in an individual with personal and/or family history of a BRCA2-related cancer (PMID: 31853058 (2020)). Analysis of this variant using bioinformatics tools for the prediction of the effect of amino acid changes on protein structure and function yielded predictions that this variant is benign. Based on the available information, we are unable to determine the clinical significance of this variant.

Color Diagnostics, LLC DBA Color Health
Classification: Uncertain significance for Hereditary cancer-predisposing syndrome. Last evaluated: 2021-02-03. Review status: criteria provided, single submitter. Criteria: ACMG Guidelines, 2015. Collection method: clinical testing. Allele origin: germline.
Comment: This missense variant replaces cysteine with leucine at codon 1853 of the BRCA2 protein. Computational prediction is inconclusive regarding the impact of this variant on protein structure and function (internally defined REVEL score threshold 0.5 < inconclusive < 0.7, PMID: 27666373). To our knowledge, functional studies have not been reported for this variant. This variant has not been reported in individuals affected with hereditary cancer in the literature. This variant has not been identified in the general population by the Genome Aggregation Database (gnomAD). The available evidence is insufficient to determine the role of this variant in disease conclusively. Therefore, this variant is classified as a Variant of Uncertain Significance.

GeneDx
Classification: Uncertain significance. Last evaluated: 2019-07-16. Review status: criteria provided, single submitter. Criteria: GeneDx Variant Classification Process June 2021. Collection method: clinical testing. Allele origin: germline. Affected: yes.
Comment: Not observed in large population cohorts (Lek 2016); In silico analysis, which includes protein predictors and evolutionary conservation, supports that this variant does not alter protein structure/function; Has not been previously published as pathogenic or benign to our knowledge

Literature cited by the submitters: PubMed 31853058 (cited by Quest Diagnostics Nichols Institute San Juan Capistrano).

NM_000059.4(BRCA2):c.5557_5558delinsCT (p.Cys1853Leu)

Gene: BRCA2 (BRCA2 DNA repair associated; plus strand). Cytogenetic location: 13q13.1.
Variant type: Indel.
Coding change: c.5557_5558delinsCT on transcript NM_000059.4 (MANE Select); coding-DNA positions 5557 to 5558, TG replaced by CT.
Protein change: p.Cys1853Leu; replaces cysteine 1853 with leucine.
Molecular consequence: missense variant.
Genome position (GRCh38, 1-based): chr13:32,339,912-32,339,913, TG replaced by CT. VCF-style: chr13-32339912-TG-CT. GRCh37 (hg19) VCF-style: chr13-32914049-TG-CT.
Other names: c.5557_5558delTGinsCT (NM_000059.3); short protein forms C1853L.
Identifiers: ClinVar variation 142752 (VCV000142752.24), dbSNP rs587782694, ClinGen allele CA022563.